The following is an entry in ClinVar:

NM_001001563.5(TIMM50):c.259+5G>A

Gene: TIMM50 (translocase of inner mitochondrial membrane 50; plus strand). Cytogenetic location: 19q13.2.
Variant type: single nucleotide variant.
Coding change: c.259+5G>A on transcript NM_001001563.5 (MANE Select); 5 bases into the intron after coding-DNA position 259, G replaced by A.
Molecular consequence: intron variant.
Genome position (GRCh38, 1-based): chr19:39,482,038, G>A. VCF-style: chr19-39482038-G-A. GRCh37 (hg19) VCF-style: chr19-39972678-G-A.
Other names: c.-22+5G>A (NM_001329559.2).
Identifiers: ClinVar variation 2106736 (VCV002106736.1), dbSNP rs2514612858, ClinGen allele CA2576780827.

ClinVar aggregate classification (germline): Uncertain significance (1 of 4 stars; one submission).

Allele frequency attached by ClinVar (database versions not stated): gnomAD exomes below 0.00001.

Submission:

Labcorp Genetics (formerly Invitae), Labcorp
Classification: Uncertain significance. Last evaluated: 2022-03-18. Review status: criteria provided, single submitter. Criteria: Invitae Variant Classification Sherloc (09022015). Collection method: clinical testing. Allele origin: germline.
Comment: This sequence change falls in intron 2 of the TIMM50 gene. It does not directly change the encoded amino acid sequence of the TIMM50 protein. It affects a nucleotide within the consensus splice site. This variant is not present in population databases (gnomAD no frequency). This variant has not been reported in the literature in individuals affected with TIMM50-related conditions. Variants that disrupt the consensus splice site are a relatively common cause of aberrant splicing (PMID: 17576681, 9536098). Algorithms developed to predict the effect of sequence changes on RNA splicing suggest that this variant may disrupt the consensus splice site. In summary, the available evidence is currently insufficient to determine the role of this variant in disease. Therefore, it has been classified as a Variant of Uncertain Significance.

Literature cited by the submitters: PubMed 17576681; PubMed 9536098.